The following is an entry in ClinVar:

NM_001165963.4(SCN1A):c.1739_1742dup (p.Lys582fs)

Gene: SCN1A (sodium voltage-gated channel alpha subunit 1; minus strand). Cytogenetic location: 2q24.3.
Variant type: Duplication.
Coding change: c.1739_1742dup on transcript NM_001165963.4 (MANE Select); coding-DNA positions 1739 to 1742, 4 bases duplicated (GAGC; older notation c.1739_1742dupGAGC).
Protein change: p.Lys582fs; shifts the reading frame from lysine 582.
Molecular consequence: frameshift variant. On other transcripts: 5 prime UTR variant (1), non-coding transcript variant (1).
Genome position (GRCh38, 1-based): chr2:166,043,970-166,043,973, GCTC duplicated on the plus strand (GAGC on the coding strand, the reverse complement: SCN1A is on the minus strand); duplicating any 4 consecutive bases within chr2:166,043,970-166,043,975 gives the same sequence; the c. name uses the placement nearest the transcript's 3' end. VCF-style (leftmost placement, unchanged base first): chr2-166043969-T-TGCTC. GRCh37 (hg19) VCF-style: chr2-166900479-T-TGCTC.
Other names: c.1739_1742dup, p.Lys582fs (NM_001165964.3, NM_001202435.3, NM_001353948.2 and 7 more transcripts); c.1736_1739dup, p.Lys581fs (NM_001353954.2, NM_001353955.2, NM_001353960.2); c.-687_-684dup (NM_001353961.2); short protein forms K582fs, K581fs.
Identifiers: ClinVar variation 206898 (VCV000206898.1), dbSNP rs796053060, ClinGen allele CA317704.

ClinVar aggregate classification (germline): Pathogenic (1 of 4 stars; one submission).

Submission:

GeneDx
Classification: Pathogenic. Last evaluated: 2014-01-23. Review status: criteria provided, single submitter. Criteria: GeneDx Variant Classification (06012015). Collection method: clinical testing. Allele origin: germline. Affected: yes.
Comment: c.1739_1742dupGAGC: p.Lys582SerfsX7 (K582Sfsx7) in exon 11 of the SCN1A gene (NM_001165963.1). The normal sequence with the bases that are duplicated in braces is: GGGC{GAGC}AAAG.The c.1739_1742dupGAGC mutation in the SCN1A gene causes a frameshift starting with codon Lysine 582, changes this amino acid to a Serine residue and creates a premature Stop codon at position 7 of the new reading frame, denoted p.Lys582SerfsX7. This mutation is predicted to cause loss of normal protein function either through protein truncation or nonsense-mediated mRNA decay. The presence of c.1739_1742dupGAGC is consistent with a diagnosis of an SCN1A-related disorder. The variant is found in INFANT-EPI panel(s).